The following is an entry in ClinVar:

ClinVar aggregate classification (germline): Pathogenic (1 of 4 stars; one submission).

Conditions:
Developmental and epileptic encephalopathy 94 (DEE94). Also called: CHD2-Related Neurodevelopmental Disorders; Epileptic encephalopathy, childhood-onset. Identifiers: Orphanet 1942, Orphanet 2382, MedGen C3809278, MONDO:0014150, OMIM 615369.

Submission:

Labcorp Genetics (formerly Invitae), Labcorp
Classification: Pathogenic for Developmental and epileptic encephalopathy 94. Last evaluated: 2022-04-22. Review status: criteria provided, single submitter. Criteria: Invitae Variant Classification Sherloc (09022015). Collection method: clinical testing. Allele origin: germline.
Comment: This sequence change creates a premature translational stop signal (p.Leu338Thrfs*21) in the CHD2 gene. It is expected to result in an absent or disrupted protein product. Loss-of-function variants in CHD2 are known to be pathogenic (PMID: 23708187, 24207121). For these reasons, this variant has been classified as Pathogenic. This variant has not been reported in the literature in individuals affected with CHD2-related conditions. This variant is not present in population databases (gnomAD no frequency).

Literature cited by the submitters: PubMed 23708187; PubMed 24207121.

NM_001271.4(CHD2):c.1011dup (p.Leu338fs)

Gene: CHD2 (chromodomain helicase DNA binding protein 2; plus strand). Cytogenetic location: 15q26.1.
Variant type: Duplication.
Coding change: c.1011dup on transcript NM_001271.4 (MANE Select); coding-DNA position 1011, one base duplicated (A; older notation c.1011dupA).
Protein change: p.Leu338fs; shifts the reading frame from leucine 338.
Molecular consequence: frameshift variant.
Genome position (GRCh38, 1-based): chr15:92,943,027, A duplicated; the last of 7 consecutive A bases (chr15:92,943,021-92,943,027); duplicating any one gives the same sequence. VCF-style (leftmost placement, unchanged base first): chr15-92943020-T-TA. GRCh37 (hg19) VCF-style: chr15-93486250-T-TA.
Other names: c.1011dup, p.Leu338fs (NM_001042572.3); short protein forms L338fs.
Identifiers: ClinVar variation 2129302 (VCV002129302.4), dbSNP rs2505447198, ClinGen allele CA2580090364.